The following is an entry in ClinVar:

NM_032119.4(ADGRV1):c.-10G>A

Gene: ADGRV1 (adhesion G protein-coupled receptor V1; plus strand). Cytogenetic location: 5q14.3.
Variant type: single nucleotide variant.
Coding change: c.-10G>A on transcript NM_032119.4 (MANE Select); 10 bases upstream of the start codon, G replaced by A.
Molecular consequence: 5 prime UTR variant. On other transcripts: non-coding transcript variant (1).
Genome position (GRCh38, 1-based): chr5:90,558,886, G>A. VCF-style: chr5-90558886-G-A. GRCh37 (hg19) VCF-style: chr5-89854703-G-A.
Identifiers: ClinVar variation 3911990 (VCV003911990.2).

ClinVar aggregate classification (germline): Uncertain significance (1 of 4 stars; one submission).

Submission:

Women's Health and Genetics/Laboratory Corporation of America, LabCorp
Classification: Uncertain significance. Last evaluated: 2025-07-02. Review status: criteria provided, single submitter. Criteria: LabCorp Variant Classification Summary - May 2015. Collection method: clinical testing. Allele origin: germline.
Comment: Variant summary: ADGRV1 c.-10G>A is located in the untranslated mRNA region upstream of the initiation codon. The frequency data for this variant in gnomAD is considered unreliable, as metrics indicate poor data quality at this position. To our knowledge, no occurrence of c.-10G>A in individuals affected with ADGRV1-Related Disorders and no experimental evidence demonstrating its impact on protein function have been reported. No submitters have cited clinical-significance assessments for this variant to ClinVar. Based on the evidence outlined above, the variant was classified as uncertain significance.